The following is an entry in ClinVar:

ClinVar aggregate classification (germline): Uncertain significance. Review status: criteria provided, multiple submitters, no conflicts (2 of 4 stars). 4 submissions from 4 submitters: Uncertain significance (3). 1 of the submissions does not count toward it. Last evaluated 2025-01-09.

Conditions:
TJP2-related disorder. Also called: TJP2-related condition.

Allele frequency attached by ClinVar (database versions not stated): gnomAD 0.00011 and 0.00012; TOPMed 0.00012; gnomAD exomes 0.00002; ExAC 0.00004.
gnomAD v4.1: 51 of 1,602,592 alleles (0.0032%); highest among the groups gnomAD compares: African/African-American, 0.033%; no homozygotes.

Submissions (4):

GeneDx
Classification: Uncertain significance. Last evaluated: 2025-01-09. Review status: criteria provided, single submitter. Criteria: GeneDx Variant Classification Process June 2021. Collection method: clinical testing. Allele origin: germline. Affected: yes.
Comment: In silico analysis supports that this missense variant has a deleterious effect on protein structure/function; Has not been previously published as pathogenic or benign to our knowledge

Eurofins Ntd Llc (ga)
Classification: Uncertain significance. Last evaluated: 2018-06-27. Review status: criteria provided, single submitter. Criteria: EGL ClinVar v180209 classification definitions. Collection method: clinical testing. Allele origin: germline. Observed: 1 variant allele, 1 heterozygote.

Laboratory for Molecular Medicine, Mass General Brigham Personalized Medicine
Classification: Uncertain significance. Last evaluated: 2015-06-08. Review status: criteria provided, single submitter. Criteria: LMM Criteria. Collection method: clinical testing. Allele origin: germline. Observed: 1 variant allele.
Comment: The p.Pro955Leu variant in TJP2 has not been previously reported in individuals with hearing loss, but has been identified in 2/6058 African chromosomes by the Exome Aggregation Consortium (ExAC). Computation al prediction tools and conservation analyses do not provide strong support for or against an impact to the protein. In summary, the clinical significance of th e p.Pro955Leu variant is uncertain.

PreventionGenetics, part of Exact Sciences
Classification: Uncertain significance for TJP2-related condition. Last evaluated: 2024-01-01. Review status: no assertion criteria provided. Collection method: clinical testing. Allele origin: germline. Not counted in ClinVar's aggregate classification.
Comment: The TJP2 c.2864C>T variant is predicted to result in the amino acid substitution p.Pro955Leu. To our knowledge, this variant has not been reported in the literature. This variant is reported in 0.031% of alleles in individuals of African descent in gnomAD. At this time, the clinical significance of this variant is uncertain due to the absence of conclusive functional and genetic evidence.

NM_004817.4(TJP2):c.2864C>T (p.Pro955Leu)

Gene: TJP2 (tight junction protein 2; plus strand). Cytogenetic location: 9q21.11.
Variant type: single nucleotide variant.
Coding change: c.2864C>T on transcript NM_004817.4 (MANE Select); coding-DNA position 2864, C replaced by T.
Protein change: p.Pro955Leu; replaces proline 955 with leucine.
Molecular consequence: missense variant. On other transcripts: intron variant (1).
Genome position (GRCh38, 1-based): chr9:69,248,208, C>T. VCF-style: chr9-69248208-C-T. GRCh37 (hg19) VCF-style: chr9-71863124-C-T.
Other names: c.2795C>T, p.Pro932Leu (NM_001170414.2, NM_001369871.1); c.2876C>T, p.Pro959Leu (NM_001170415.1, NM_001369874.1, NM_001369875.1); c.2957C>T, p.Pro986Leu (NM_001170416.2); c.2789C>T, p.Pro930Leu (NM_001369870.1); c.2864C>T, p.Pro955Leu (NM_001369872.1, NM_201629.3); c.2667+1418C>T (NM_001369873.1); c.2864C>T (NM_004817.3); short protein forms P955L, P959L, P932L, P986L, P930L.
Identifiers: ClinVar variation 229312 (VCV000229312.12), dbSNP rs769636686, ClinGen allele CA5073788.